The following is an entry in ClinVar:

ClinVar aggregate classification (germline): Pathogenic. Review status: reviewed by expert panel (3 of 4 stars). 6 submissions from 6 submitters: Pathogenic (1). 5 of the submissions do not count toward it. Last evaluated 2016-09-08.

Conditions:
Hereditary cancer-predisposing syndrome. Also called: Hereditary Cancer Syndrome; Hereditary neoplastic syndrome; Neoplastic Syndromes, Hereditary; Tumor predisposition. Identifiers: Orphanet 140162, MedGen C0027672, MeSH D009386, MONDO:0015356.
Breast-ovarian cancer, familial, susceptibility to, 1 (BROVCA1). Also called: BRCA1 Hereditary Breast and Ovarian Cancer; OVARIAN CANCER, SUSCEPTIBILITY TO. Identifiers: Orphanet 145, MedGen C2676676, MONDO:0011450, OMIM 604370. Disease mechanism: loss of function.
Hereditary breast ovarian cancer syndrome. Also called: BRCA1- and BRCA2-Associated Hereditary Breast and Ovarian Cancer; Hereditary breast and ovarian cancer syndrome; Hereditary breast and ovarian cancer syndrome (HBOC); Breast and ovarian cancer; Hereditary breast and/or ovarian cancer syndrome; Hereditary breast and ovarian cancer. Identifiers: Orphanet 145, MedGen C0677776, MeSH D061325, MONDO:0003582. Disease mechanism: loss of function.

Submissions (6):

Evidence-based Network for the Interpretation of Germline Mutant Alleles (ENIGMA)
Classification: Pathogenic for Breast-ovarian cancer, familial, susceptibility to, 1. Last evaluated: 2016-09-08. Review status: reviewed by expert panel. Criteria: ENIGMA BRCA1/2 Classification Criteria (2015). Collection method: curation. Allele origin: germline.
Comment: Variant allele predicted to encode a truncated non-functional protein.

Baylor Genetics
Classification: Pathogenic for Breast-ovarian cancer, familial, susceptibility to, 1. Last evaluated: 2023-01-26. Review status: criteria provided, single submitter. Criteria: ACMG Guidelines, 2015. Collection method: clinical testing. Allele origin: unknown. Not counted in ClinVar's aggregate classification.

Labcorp Genetics (formerly Invitae), Labcorp
Classification: Pathogenic for Hereditary breast ovarian cancer syndrome. Last evaluated: 2020-09-30. Review status: criteria provided, single submitter. Criteria: Invitae Variant Classification Sherloc (09022015). Collection method: clinical testing. Allele origin: germline. Not counted in ClinVar's aggregate classification.
Comment: This variant is not present in population databases (ExAC no frequency). For these reasons, this variant has been classified as Pathogenic. Loss-of-function variants in BRCA1 are known to be pathogenic (PMID: 20104584). This variant has been reported in individuals in the Leiden Open-source Variation Database (PMID: 21520333). ClinVar contains an entry for this variant (Variation ID: 91573). This sequence change creates a premature translational stop signal (p.Ile68Asnfs*12) in the BRCA1 gene. It is expected to result in an absent or disrupted protein product.

Ambry Genetics
Classification: Pathogenic for Hereditary cancer-predisposing syndrome. Last evaluated: 2019-06-03. Review status: criteria provided, single submitter. Criteria: Ambry Variant Classification Scheme 2023. Collection method: clinical testing. Allele origin: germline. Not counted in ClinVar's aggregate classification.
Comment: The c.203_204delTA pathogenic mutation, located in coding exon 3 of the BRCA1 gene, results from a deletion of two nucleotides at nucleotide positions 203 to 204, causing a translational frameshift with a predicted alternate stop codon (p.I68Nfs*12). This alteration is expected to result in loss of function by premature protein truncation or nonsense-mediated mRNA decay. As such, this alteration is interpreted as a disease-causing mutation.

GeneDx
Classification: Pathogenic. Last evaluated: 2014-03-11. Review status: criteria provided, single submitter. Criteria: GeneDx Variant Classification (06012015). Collection method: clinical testing. Allele origin: germline. Affected: yes. Not counted in ClinVar's aggregate classification.
Comment: This pathogenic variant is denoted BRCA1 c.203_204delTA at the cDNA level and p.Ile68AsnfsX12 (I68NfsX12) at the protein level. The normal sequence, with the bases that are deleted in brackets, is GATA[delTA]ACCA. The deletion causes a frameshift, which changes an Isoleucine to an Asparagine at codon 68, and creates a premature stop codon at position 12 of the new reading frame. This variant is predicted to cause loss of normal protein function through either protein truncation or nonsense-mediated mRNA decay. Although this variant has not been previously reported to our knowledge, it is considered pathogenic.

Sharing Clinical Reports Project (SCRP)
Classification: Pathogenic for Breast-ovarian cancer, familial 1. Last evaluated: 2011-08-24. Review status: no assertion criteria provided. Collection method: clinical testing. Allele origin: germline. Not counted in ClinVar's aggregate classification.

Literature cited by the submitters: PubMed 20104584 (cited by Labcorp Genetics (formerly Invitae), Labcorp); PubMed 21520333 (cited by Labcorp Genetics (formerly Invitae), Labcorp).

NM_007294.4(BRCA1):c.203_204del (p.Ile68fs)

Gene: BRCA1 (BRCA1 DNA repair associated; minus strand). Cytogenetic location: 17q21.31.
Variant type: Microsatellite.
Coding change: c.203_204del on transcript NM_007294.4 (MANE Select); coding-DNA positions 203 to 204, 2 bases deleted (TA; older notation c.203_204delTA).
Protein change: p.Ile68fs; shifts the reading frame from isoleucine 68.
Molecular consequence: frameshift variant.
Genome position (GRCh38, 1-based): chr17:43,106,464-43,106,465, TA deleted on the plus strand (TA on the coding strand, the reverse complement: BRCA1 is on the minus strand); deleting any 2 consecutive bases within chr17:43,106,464-43,106,468 gives the same sequence; the c. name uses the placement nearest the transcript's 3' end. VCF-style (leftmost placement, unchanged base first): chr17-43106463-TTA-T. GRCh37 (hg19) VCF-style: chr17-41258480-TTA-T.
Other names: 322delTA; c.200_201AT[1], p.Ile68Asnfs (NM_001407581.1, NM_001407582.1, NM_001407583.1 and 167 more transcripts); c.59_60AT[1], p.Ile21Asnfs (NM_001407692.1, NM_001407694.1, NM_001407695.1 and 98 more transcripts); c.203_204del (NM_007294.3); c.203_204delTA (NM_007294.3); c.62_63del, p.Ile21fs (NM_007297.4); c.203_204del, p.Ile68fs (NM_007299.4, NM_007300.4); short protein forms I21fs, I68fs.
Identifiers: ClinVar variation 91573 (VCV000091573.20), dbSNP rs398122651, ClinGen allele CA001351.